The following is an entry in ClinVar:

NM_000059.4(BRCA2):c.5241del (p.Asn1747fs)

Gene: BRCA2 (BRCA2 DNA repair associated; plus strand). Cytogenetic location: 13q13.1.
Variant type: Deletion.
Coding change: c.5241del on transcript NM_000059.4 (MANE Select); coding-DNA position 5241, one base deleted (C; older notation c.5241delC).
Protein change: p.Asn1747fs; shifts the reading frame from asparagine 1747.
Molecular consequence: frameshift variant.
Genome position (GRCh38, 1-based): chr13:32,339,596, C deleted. VCF-style (leftmost placement, unchanged base first): chr13-32339595-AC-A. GRCh37 (hg19) VCF-style: chr13-32913732-AC-A.
Other names: 5469delC; c.5241delC (NM_000059.3); short protein forms N1747fs.
Identifiers: ClinVar variation 252837 (VCV000252837.4), dbSNP rs879255457, ClinGen allele CA10586072.

ClinVar aggregate classification (germline): Pathogenic. Review status: reviewed by expert panel (3 of 4 stars). 3 submissions from 3 submitters: Pathogenic (1). 2 of the submissions do not count toward it. Last evaluated 2017-12-15.

Conditions:
Hereditary cancer-predisposing syndrome. Also called: Tumor predisposition; Hereditary Cancer Syndrome; Neoplastic Syndromes, Hereditary; Hereditary neoplastic syndrome. Identifiers: Orphanet 140162, MedGen C0027672, MeSH D009386, MONDO:0015356.
Breast-ovarian cancer, familial, susceptibility to, 2 (BROVCA2). Also called: BRCA2 Hereditary Breast and Ovarian Cancer. Identifiers: Orphanet 145, MedGen C2675520, MONDO:0012933, OMIM 612555. Disease mechanism: loss of function.

Submissions (3):

Evidence-based Network for the Interpretation of Germline Mutant Alleles (ENIGMA)
Classification: Pathogenic for Breast-ovarian cancer, familial, susceptibility to, 2. Last evaluated: 2017-12-15. Review status: reviewed by expert panel. Criteria: ENIGMA BRCA1/2 Classification Criteria (2017-06-29). Collection method: curation. Allele origin: germline. Study: ENIGMA.
Comment: Variant allele predicted to encode a truncated non-functional protein.

Ambry Genetics
Classification: Pathogenic for Hereditary cancer-predisposing syndrome. Last evaluated: 2016-10-26. Review status: criteria provided, single submitter. Criteria: Ambry Variant Classification Scheme 2023. Collection method: clinical testing. Allele origin: germline. Not counted in ClinVar's aggregate classification.
Comment: The c.5241delC pathogenic mutation, located in coding exon 10 of the BRCA2 gene, results from a deletion of one nucleotide at nucleotide position 5241, causing a translational frameshift with a predicted alternate stop codon. This alteration is expected to result in loss of function by premature protein truncation or nonsense-mediated mRNA decay. As such, this alteration is interpreted as a disease-causing mutation.

Sharing Clinical Reports Project (SCRP)
Classification: Pathogenic for Breast-ovarian cancer, familial 2. Last evaluated: 2010-10-25. Review status: no assertion criteria provided. Collection method: clinical testing. Allele origin: germline. Not counted in ClinVar's aggregate classification.